The following is an entry in ClinVar:

NM_138694.4(PKHD1):c.3766C>T (p.Gln1256Ter)

Gene: PKHD1 (PKHD1 ciliary IPT domain containing fibrocystin/polyductin; minus strand). Cytogenetic location: 6p12.2.
Variant type: single nucleotide variant.
Coding change: c.3766C>T on transcript NM_138694.4 (MANE Select); coding-DNA position 3766, C replaced by T.
Protein change: p.Gln1256Ter; replaces glutamine 1256 with a stop codon.
Molecular consequence: nonsense.
Genome position (GRCh38, 1-based): chr6:52,026,044, G>A on the plus strand (C>T on the coding strand, the complement: PKHD1 is on the minus strand). VCF-style: chr6-52026044-G-A. GRCh37 (hg19) VCF-style: chr6-51890842-G-A.
Other names: c.3766C>T, p.Gln1256Ter (NM_170724.3); short protein forms Q1256*.
Identifiers: ClinVar variation 4816644 (VCV004816644.1).

ClinVar aggregate classification (germline): Likely pathogenic (1 of 4 stars; one submission).

Conditions:
Autosomal recessive polycystic kidney disease (ARPKD). Also called: AR polycystic kidney disease. Identifiers: Orphanet 731, Orphanet 8378, MedGen C0085548, MeSH D017044, MONDO:0009889.

Submission:

Natera, Inc.
Classification: Likely pathogenic for Autosomal recessive polycystic kidney disease. Last evaluated: 2025-04-22. Review status: criteria provided, single submitter. Criteria: Natera Variant Classification Schema (03/2026). Collection method: clinical testing. Allele origin: germline.
Comment: The c.3766C>T variant in PKHD1 is a nonsense variant predicted to introduce a stop codon at amino acid 1256. This variant is expected to result in nonsense mediated decay, truncation, or a dysfunctional protein product. This variant is rare in the general population with a frequency below the threshold expected for the associated phenotype(s). Given the available evidence, this variant is classified as Likely Pathogenic.